The following is an entry in ClinVar:

NM_002581.5(PAPPA):c.4777-5T>C

Gene: PAPPA (pappalysin 1; plus strand). Cytogenetic location: 9q33.1.
Variant type: single nucleotide variant.
Coding change: c.4777-5T>C on transcript NM_002581.5 (MANE Select); 5 bases into the intron before coding-DNA position 4777, T replaced by C.
Molecular consequence: intron variant.
Genome position (GRCh38, 1-based): chr9:116,396,504, T>C. VCF-style: chr9-116396504-T-C. GRCh37 (hg19) VCF-style: chr9-119158783-T-C.
Identifiers: ClinVar variation 2659463 (VCV002659463.24), dbSNP rs201576697, ClinGen allele CA5210421.
Genomic context (GRCh38, chr9:116,396,504, plus strand): 5'-TGCACTGCCTTTCTGATCATTACTGCTTCAGACCAAATCACCTGATTCACTTCTTCTTTC[T>C]GCAGGTCACCCCATTCCCTATGTCCTGTGATCTACAAGGTGACTGTGCTTGTCGGGACCC-3'

ClinVar aggregate classification (germline): Likely benign (1 of 4 stars; one submission).

Allele frequency attached by ClinVar (database versions not stated): gnomAD exomes 0.00011; ExAC 0.00044; TOPMed 0.00130; gnomAD 0.00139; ESP Exome Variant Server 0.00169; 1000 Genomes Project 30x 0.00172; 1000 Genomes Project 0.00200.
gnomAD v4.1: 282 of 780,642 alleles (0.036%); highest among the groups gnomAD compares: African/African-American, 0.45%; 1 homozygote.

Submission:

CeGaT Center for Human Genetics Tuebingen
Classification: Likely benign. Last evaluated: 2022-09-01. Review status: criteria provided, single submitter. Criteria: CeGaT Center For Human Genetics Tuebingen Variant Classification Criteria Version 2. Collection method: clinical testing. Allele origin: germline. Affected: yes. Observed: 1 variant allele.
Comment: PAPPA: BP4